The following is an entry in ClinVar:

ClinVar aggregate classification (germline): Likely benign. Review status: criteria provided, single submitter (1 of 4 stars). 2 submissions from 2 submitters: Likely benign (1). 1 of the submissions does not count toward it. Last evaluated 2026-02-04.

Conditions:
VPS53-related disorder. Also called: VPS53-related condition.

Allele frequency attached by ClinVar (database versions not stated): ExAC 0.00007; gnomAD 0.00013 and 0.00014; TOPMed 0.00017; ESP Exome Variant Server 0.00022.
gnomAD v4.1: 306 of 1,539,060 alleles (0.02%); highest among the groups gnomAD compares: Admixed American, 0.082%; 1 homozygote.

Submissions (2):

Labcorp Genetics (formerly Invitae), Labcorp
Classification: Likely benign. Last evaluated: 2026-02-04. Review status: criteria provided, single submitter. Criteria: Invitae Variant Classification Sherloc (09022015). Collection method: clinical testing. Allele origin: germline.

PreventionGenetics, part of Exact Sciences
Classification: Likely benign for VPS53-related condition. Last evaluated: 2019-03-22. Review status: no assertion criteria provided. Collection method: clinical testing. Allele origin: germline. Not counted in ClinVar's aggregate classification.
Comment: This variant is classified as likely benign based on ACMG/AMP sequence variant interpretation guidelines (Richards et al. 2015 PMID: 25741868, with internal and published modifications).

NM_001128159.3(VPS53):c.2472C>T (p.Leu824=)

Gene: VPS53 (VPS53 subunit of GARP complex; minus strand). Cytogenetic location: 17p13.3.
Variant type: single nucleotide variant.
Coding change: c.2472C>T on transcript NM_001128159.3 (MANE Select); coding-DNA position 2472, C replaced by T.
Protein change: p.Leu824=; no amino-acid change (leucine 824 retained).
Molecular consequence: synonymous variant.
Genome position (GRCh38, 1-based): chr17:519,155, G>A on the plus strand (C>T on the coding strand, the complement: VPS53 is on the minus strand). VCF-style: chr17-519155-G-A. GRCh37 (hg19) VCF-style: chr17-422395-G-A.
Identifiers: ClinVar variation 724402 (VCV000724402.9), dbSNP rs376440772, ClinGen allele CA8261132.